The following is an entry in ClinVar:

ClinVar aggregate classification (germline): Pathogenic (1 of 4 stars; one submission).

Conditions:
Retinoblastoma (RB1). Also called: RETINOBLASTOMA, SOMATIC. Identifiers: Orphanet 790, MedGen C0035335, MeSH D012175, MONDO:0008380, OMIM 180200, HP:0009919. Disease mechanism: loss of function. Inheritance: Both sporadic and heritable forms are tested..

Submission:

Labcorp Genetics (formerly Invitae), Labcorp
Classification: Pathogenic for Retinoblastoma. Last evaluated: 2018-06-20. Review status: criteria provided, single submitter. Criteria: Invitae Variant Classification Sherloc (09022015). Collection method: clinical testing. Allele origin: germline.
Comment: For these reasons, this variant has been classified as Pathogenic. Loss-of-function variants in RB1 are known to be pathogenic (PMID: 17096365). This variant has not been reported in the literature in individuals with RB1-related disease. This variant is not present in population databases (ExAC no frequency). This sequence change creates a premature translational stop signal (p.Leu134Tyrfs*2) in the RB1 gene. It is expected to result in an absent or disrupted protein product.

Literature cited by the submitters: PubMed 17096365.

NM_000321.3(RB1):c.399del (p.Leu134fs)

Gene: RB1 (RB transcriptional corepressor 1; plus strand). Cytogenetic location: 13q14.2.
Variant type: Deletion.
Coding change: c.399del on transcript NM_000321.3 (MANE Select); coding-DNA position 399, one base deleted (C; older notation c.399delC).
Protein change: p.Leu134fs; shifts the reading frame from leucine 134.
Molecular consequence: frameshift variant.
Genome position (GRCh38, 1-based): chr13:48,345,098, C deleted. VCF-style (leftmost placement, unchanged base first): chr13-48345097-AC-A. GRCh37 (hg19) VCF-style: chr13-48919233-AC-A.
Other names: short protein forms L134fs.
Identifiers: ClinVar variation 1071048 (VCV001071048.7), dbSNP rs2138087235, ClinGen allele CA2499222429.